The following is an entry in ClinVar:

ClinVar aggregate classification (germline): Uncertain significance. Review status: criteria provided, multiple submitters, no conflicts (2 of 4 stars). 3 submissions from 3 submitters: Uncertain significance (3). Last evaluated 2025-08-08.

Conditions:
Hereditary cancer-predisposing syndrome. Also called: Hereditary neoplastic syndrome; Neoplastic Syndromes, Hereditary; Tumor predisposition; Hereditary Cancer Syndrome. Identifiers: Orphanet 140162, MedGen C0027672, MeSH D009386, MONDO:0015356.
Familial cancer of breast. Also called: Hereditary breast cancer; hereditary breast carcinoma; BREAST CANCER, FAMILIAL. Identifiers: Orphanet 227535, MedGen C0346153, MONDO:0016419, OMIM 114480. Disease mechanism: loss of function.
Fanconi anemia complementation group J. Also called: BRIP1-Related Fanconi Anemia. Identifiers: Orphanet 84, MedGen C1836860, MONDO:0012187, OMIM 609054.

Allele frequency attached by ClinVar (database versions not stated): gnomAD exomes below 0.00001.
gnomAD v4.1: 1 of 1,613,918 alleles (0.000062%); highest among the groups gnomAD compares: Non-Finnish European, 0.000085%; no homozygotes.

Submissions (3):

Ambry Genetics
Classification: Uncertain significance for Hereditary cancer-predisposing syndrome. Last evaluated: 2025-08-08. Review status: criteria provided, single submitter. Criteria: Ambry Variant Classification Scheme 2023. Collection method: clinical testing. Allele origin: germline.
Comment: The p.K234E variant (also known as c.700A>G), located in coding exon 6 of the BRIP1 gene, results from an A to G substitution at nucleotide position 700. The lysine at codon 234 is replaced by glutamic acid, an amino acid with similar properties. This amino acid position is highly conserved in available vertebrate species. In addition, this alteration is predicted to be tolerated by in silico analysis. Since supporting evidence is limited at this time, the clinical significance of this alteration remains unclear.

Labcorp Genetics (formerly Invitae), Labcorp
Classification: Uncertain significance for Familial cancer of breast; Fanconi anemia complementation group J. Last evaluated: 2025-03-31. Review status: criteria provided, single submitter. Criteria: Invitae Variant Classification Sherloc (09022015). Collection method: clinical testing. Allele origin: germline.
Comment: This sequence change replaces lysine, which is basic and polar, with glutamic acid, which is acidic and polar, at codon 234 of the BRIP1 protein (p.Lys234Glu). This variant is not present in population databases (gnomAD no frequency). This variant has not been reported in the literature in individuals affected with BRIP1-related conditions. ClinVar contains an entry for this variant (Variation ID: 407874). Invitae Evidence Modeling of protein sequence and biophysical properties (such as structural, functional, and spatial information, amino acid conservation, physicochemical variation, residue mobility, and thermodynamic stability) indicates that this missense variant is not expected to disrupt BRIP1 protein function with a negative predictive value of 95%. In summary, the available evidence is currently insufficient to determine the role of this variant in disease. Therefore, it has been classified as a Variant of Uncertain Significance.

Baylor Genetics
Classification: Uncertain significance for Familial cancer of breast. Last evaluated: 2023-05-24. Review status: criteria provided, single submitter. Criteria: ACMG Guidelines, 2015. Collection method: clinical testing. Allele origin: unknown.

NM_032043.3(BRIP1):c.700A>G (p.Lys234Glu)

Gene: BRIP1 (BRCA1 interacting DNA helicase 1; minus strand). Cytogenetic location: 17q23.2.
Variant type: single nucleotide variant.
Coding change: c.700A>G on transcript NM_032043.3 (MANE Select); coding-DNA position 700, A replaced by G.
Protein change: p.Lys234Glu; replaces lysine 234 with glutamic acid.
Molecular consequence: missense variant.
Genome position (GRCh38, 1-based): chr17:61,808,685, T>C on the plus strand (A>G on the coding strand, the complement: BRIP1 is on the minus strand). VCF-style: chr17-61808685-T-C. GRCh37 (hg19) VCF-style: chr17-59886046-T-C.
Other names: short protein forms K234E.
Identifiers: ClinVar variation 407874 (VCV000407874.14), dbSNP rs1060501780, ClinGen allele CA16615822.